The following is an entry in ClinVar:

NM_001161352.2(KCNMA1):c.3017T>C (p.Val1006Ala)

Genes: KCNMA1-AS1 (KCNMA1 antisense RNA 1; plus strand), KCNMA1 (potassium calcium-activated channel subfamily M alpha 1; minus strand). Cytogenetic location: 10q22.3.
Variant type: single nucleotide variant.
Coding change: c.3017T>C on transcript NM_001161352.2 (MANE Select); coding-DNA position 3017, T replaced by C.
Protein change: p.Val1006Ala; replaces valine 1006 with alanine.
Molecular consequence: missense variant.
Genome position (GRCh38, 1-based): chr10:76,910,096, A>G on the plus strand (T>C on the coding strand, the complement: KCNMA1 is on the minus strand). VCF-style: chr10-76910096-A-G. GRCh37 (hg19) VCF-style: chr10-78669854-A-G.
Other names: c.2855T>C, p.Val952Ala (NM_001014797.3); c.2966T>C, p.Val989Ala (NM_001161353.2); c.2693T>C, p.Val898Ala (NM_001271518.2); c.2933T>C, p.Val978Ala (NM_001271519.2); c.2852T>C, p.Val951Ala (NM_001322829.2, NM_001322836.2); c.2945T>C, p.Val982Ala (NM_001322830.2); c.2843T>C, p.Val948Ala (NM_001322832.2, NM_001410940.1, NM_002247.4); c.2936T>C, p.Val979Ala (NM_001322835.2, NM_001322837.2); and 1 more; short protein forms V1006A, V948A, V951A, V989A, V797A, V952A, V979A, V898A.
Identifiers: ClinVar variation 2124794 (VCV002124794.4), dbSNP rs2548852389, ClinGen allele CA377404002.
Genomic context (GRCh38, chr10:76,910,096, plus strand): 5'-AGTTCTGTATCAGGGTCATCATCATCGTCTTGGTCCAAAAACTGAACATTAGTATCGTTC[A>G]CTAGAAAAAGCATAAAATAAGAATTAGCTCTGAAGACCACACACAGGCATTGAAGCCAGA-3'
Protein context (NP_001154824.1, residues 996-1016): GVNIPIITEL[Val1006Ala]NDTNVQFLDQ

ClinVar aggregate classification (germline): Uncertain significance (1 of 4 stars; one submission).

Conditions:
Generalized epilepsy-paroxysmal dyskinesia syndrome (PNKD3). Also called: Generalized epilepsy and paroxysmal dyskinesia; Paroxysmal nonkinesigenic dyskinesia, 3, with or without generalized epilepsy. Identifiers: Orphanet 79137, MedGen C5574945, MONDO:0012276, OMIM 609446.

Submission:

Labcorp Genetics (formerly Invitae), Labcorp
Classification: Uncertain significance for Generalized epilepsy-paroxysmal dyskinesia syndrome. Last evaluated: 2024-10-24. Review status: criteria provided, single submitter. Criteria: Invitae Variant Classification Sherloc (09022015). Collection method: clinical testing. Allele origin: germline.
Comment: This sequence change replaces valine, which is neutral and non-polar, with alanine, which is neutral and non-polar, at codon 948 of the KCNMA1 protein (p.Val948Ala). This variant is not present in population databases (gnomAD no frequency). This variant has not been reported in the literature in individuals affected with KCNMA1-related conditions. ClinVar contains an entry for this variant (Variation ID: 2124794). An algorithm developed to predict the effect of missense changes on protein structure and function (PolyPhen-2) suggests that this variant is likely to be tolerated. In summary, the available evidence is currently insufficient to determine the role of this variant in disease. Therefore, it has been classified as a Variant of Uncertain Significance.